The following is an entry in ClinVar:

ClinVar aggregate classification (germline): Uncertain significance. Review status: criteria provided, multiple submitters, no conflicts (2 of 4 stars). 7 submissions from 6 submitters: Uncertain significance (7). Last evaluated 2024-11-14.

Conditions:
Asphyxiating thoracic dystrophy 5 (SRTD5). Also called: SHORT-RIB THORACIC DYSPLASIA 5 WITH OR WITHOUT POLYDACTYLY; SHORT-RIB THORACIC DYSPLASIA 5 WITHOUT POLYDACTYLY. Identifiers: Orphanet 474, MedGen C3280598, MONDO:0013717, OMIM 614376.
Senior-Loken syndrome 8 (SLSN8). Identifiers: Orphanet 3156, MedGen C4225376, MONDO:0014579, OMIM 616307.
Nephronophthisis 13 (NPHP13). Identifiers: Orphanet 655, MedGen C3280612, MONDO:0013718, OMIM 614377.
Cranioectodermal dysplasia 4 (CED4). Identifiers: Orphanet 1515, MedGen C3280616, MONDO:0013719, OMIM 614378.
Spermatogenic failure 72 (SPGF72). Identifiers: MedGen C5676980, MONDO:0030809, OMIM 619867.
Inborn genetic diseases. Identifiers: MedGen C0950123, MeSH D030342.

Allele frequency attached by ClinVar (database versions not stated): gnomAD 0.00003 and 0.00004; gnomAD exomes 0.00007 and 0.00020; TOPMed 0.00008; ExAC 0.00020.
gnomAD v4.1: 113 of 1,613,736 alleles (0.007%); highest among the groups gnomAD compares: Middle Eastern, 0.13%; no homozygotes.

Submissions (7):

Blueprint Genetics
Classification: Uncertain significance. Last evaluated: 2024-11-14. Review status: criteria provided, single submitter. Criteria: ACMG Guidelines, 2015. Collection method: clinical testing. Allele origin: germline.

GeneDx
Classification: Uncertain significance. Last evaluated: 2024-05-29. Review status: criteria provided, single submitter. Criteria: GeneDx Variant Classification Process June 2021. Collection method: clinical testing. Allele origin: germline. Affected: yes.
Comment: In silico analysis supports that this missense variant has a deleterious effect on protein structure/function; Has not been previously published as pathogenic or benign to our knowledge

Labcorp Genetics (formerly Invitae), Labcorp
Classification: Uncertain significance for Senior-Loken syndrome 8; Asphyxiating thoracic dystrophy 5. Last evaluated: 2022-10-22. Review status: criteria provided, single submitter. Criteria: Invitae Variant Classification Sherloc (09022015). Collection method: clinical testing. Allele origin: germline.
Comment: This sequence change replaces arginine, which is basic and polar, with cysteine, which is neutral and slightly polar, at codon 464 of the WDR19 protein (p.Arg464Cys). This variant is present in population databases (rs201148758, gnomAD 0.09%). This variant has not been reported in the literature in individuals affected with WDR19-related conditions. ClinVar contains an entry for this variant (Variation ID: 348736). Advanced modeling of protein sequence and biophysical properties (such as structural, functional, and spatial information, amino acid conservation, physicochemical variation, residue mobility, and thermodynamic stability) performed at Invitae indicates that this missense variant is not expected to disrupt WDR19 protein function. In summary, the available evidence is currently insufficient to determine the role of this variant in disease. Therefore, it has been classified as a Variant of Uncertain Significance.

Fulgent Genetics
Classification: Uncertain significance for Asphyxiating thoracic dystrophy 5; Nephronophthisis 13; Cranioectodermal dysplasia 4; Senior-Loken syndrome 8; Spermatogenic failure 72. Last evaluated: 2022-01-06. Review status: criteria provided, single submitter. Criteria: ACMG Guidelines, 2015. Collection method: clinical testing. Allele origin: unknown.

Ambry Genetics
Classification: Uncertain significance for Inborn genetic diseases. Last evaluated: 2021-10-06. Review status: criteria provided, single submitter. Criteria: Ambry Variant Classification Scheme 2023. Collection method: clinical testing. Allele origin: germline.

Illumina Laboratory Services, Illumina
Classification: Uncertain significance for Asphyxiating thoracic dystrophy 5. Last evaluated: 2018-01-12. Review status: criteria provided, single submitter. Criteria: ICSL Variant Classification Criteria 13 December 2019. Collection method: clinical testing. Allele origin: germline.

Illumina Laboratory Services, Illumina
Classification: Uncertain significance for Cranioectodermal dysplasia 4. Last evaluated: 2018-01-12. Review status: criteria provided, single submitter. Criteria: ICSL Variant Classification Criteria 13 December 2019. Collection method: clinical testing. Allele origin: germline.

NM_025132.4(WDR19):c.1390C>T (p.Arg464Cys)

Gene: WDR19 (WD repeat domain 19; plus strand). Cytogenetic location: 4p14.
Variant type: single nucleotide variant.
Coding change: c.1390C>T on transcript NM_025132.4 (MANE Select); coding-DNA position 1390, C replaced by T.
Protein change: p.Arg464Cys; replaces arginine 464 with cysteine.
Molecular consequence: missense variant.
Genome position (GRCh38, 1-based): chr4:39,218,016, C>T. VCF-style: chr4-39218016-C-T. GRCh37 (hg19) VCF-style: chr4-39219636-C-T.
Other names: c.910C>T, p.Arg304Cys (NM_001317924.2); short protein forms R464C, R304C.
Identifiers: ClinVar variation 348736 (VCV000348736.12), dbSNP rs201148758, ClinGen allele CA2891838.